The following is an entry in ClinVar:

NM_000535.7(PMS2):c.2502G>T (p.Met834Ile)

Gene: PMS2 (PMS1 homolog 2, mismatch repair system component; minus strand). Cytogenetic location: 7p22.1.
Variant type: single nucleotide variant.
Coding change: c.2502G>T on transcript NM_000535.7 (MANE Select); coding-DNA position 2502, G replaced by T.
Protein change: p.Met834Ile; replaces methionine 834 with isoleucine.
Molecular consequence: missense variant. On other transcripts: non-coding transcript variant (1).
Genome position (GRCh38, 1-based): chr7:5,973,486, C>A on the plus strand (G>T on the coding strand, the complement: PMS2 is on the minus strand). VCF-style: chr7-5973486-C-A. GRCh37 (hg19) VCF-style: chr7-6013117-C-A.
Other names: c.2097G>T, p.Met699Ile (NM_001322003.2, NM_001322004.2, NM_001322005.2); c.2346G>T, p.Met782Ile (NM_001322006.2); c.2184G>T, p.Met728Ile (NM_001322007.2, NM_001322008.2); c.2130G>T, p.Met710Ile (NM_001322009.2); c.1941G>T, p.Met647Ile (NM_001322010.2); c.1569G>T, p.Met523Ile (NM_001322011.2, NM_001322012.2); c.1929G>T, p.Met643Ile (NM_001322013.2); c.2535G>T, p.Met845Ile (NM_001322014.2); and 1 more; short protein forms M834I, M523I, M643I, M710I, M782I, M845I, M728I, M647I.
Identifiers: ClinVar variation 525613 (VCV000525613.9), dbSNP rs1554292818, ClinGen allele CA366734922.

ClinVar aggregate classification (germline): Uncertain significance. Review status: criteria provided, multiple submitters, no conflicts (2 of 4 stars). 4 submissions from 4 submitters: Uncertain significance (4). Last evaluated 2025-06-04.

Conditions:
Hereditary nonpolyposis colorectal neoplasms. Identifiers: MedGen C0009405, MeSH D003123.
Hereditary cancer-predisposing syndrome. Also called: Neoplastic Syndromes, Hereditary; Tumor predisposition; Hereditary Cancer Syndrome; Hereditary neoplastic syndrome. Identifiers: Orphanet 140162, MedGen C0027672, MeSH D009386, MONDO:0015356.
Lynch syndrome. Identifiers: Orphanet 144, MedGen C4552100, MONDO:0005835. Disease mechanism: loss of function.

gnomAD v4.1: 1 of 677,380 alleles (0.00015%); no homozygotes.

Submissions (4):

Color Diagnostics, LLC DBA Color Health
Classification: Uncertain significance for Hereditary cancer-predisposing syndrome. Last evaluated: 2025-06-04. Review status: criteria provided, single submitter. Criteria: ACMG Guidelines, 2015. Collection method: clinical testing. Allele origin: germline.
Comment: This missense variant replaces methionine with isoleucine at codon 834 of the PMS2 protein. Computational prediction suggests that this variant may have deleterious impact on protein structure and function. To our knowledge, functional studies have not been reported for this variant. This variant has not been reported in individuals affected with PMS2-related disorders in the literature. This variant has not been identified in the general population by the Genome Aggregation Database (gnomAD). The available evidence is insufficient to determine the role of this variant in disease conclusively. Therefore, this variant is classified as a Variant of Uncertain Significance.

Ambry Genetics
Classification: Uncertain significance for Hereditary cancer-predisposing syndrome. Last evaluated: 2024-10-19. Review status: criteria provided, single submitter. Criteria: Ambry Variant Classification Scheme 2023. Collection method: clinical testing. Allele origin: germline.
Comment: The p.M834I variant (also known as c.2502G>T), located in coding exon 15 of the PMS2 gene, results from a G to T substitution at nucleotide position 2502. The methionine at codon 834 is replaced by isoleucine, an amino acid with highly similar properties. This amino acid position is conserved. In addition, this alteration is predicted to be deleterious by in silico analysis. Based on the available evidence, the clinical significance of this variant remains unclear.

Labcorp Genetics (formerly Invitae), Labcorp
Classification: Uncertain significance for Hereditary nonpolyposis colorectal neoplasms. Last evaluated: 2021-09-01. Review status: criteria provided, single submitter. Criteria: Invitae Variant Classification Sherloc (09022015). Collection method: clinical testing. Allele origin: germline.
Comment: This sequence change replaces methionine with isoleucine at codon 834 of the PMS2 protein (p.Met834Ile). The methionine residue is highly conserved and there is a small physicochemical difference between methionine and isoleucine. This variant has not been reported in the literature in individuals affected with PMS2-related conditions. Algorithms developed to predict the effect of missense changes on protein structure and function are either unavailable or do not agree on the potential impact of this missense change (SIFT: "Deleterious"; PolyPhen-2: "Probably Damaging"; Align-GVGD: "Class C0"). In summary, the available evidence is currently insufficient to determine the role of this variant in disease. Therefore, it has been classified as a Variant of Uncertain Significance.

Mendelics
Classification: Uncertain significance for Lynch syndrome. Last evaluated: 2018-07-02. Review status: criteria provided, single submitter. Criteria: Mendelics Assertion Criteria 2017. Collection method: clinical testing. Allele origin: unknown.